The following is an entry in ClinVar:

NM_022725.4(FANCF):c.53C>G (p.Ser18Ter)

Gene: FANCF (FA complementation group F; minus strand). Cytogenetic location: 11p14.3.
Variant type: single nucleotide variant.
Coding change: c.53C>G on transcript NM_022725.4 (MANE Select); coding-DNA position 53, C replaced by G.
Protein change: p.Ser18Ter; replaces serine 18 with a stop codon.
Molecular consequence: nonsense.
Genome position (GRCh38, 1-based): chr11:22,625,758, G>C on the plus strand (C>G on the coding strand, the complement: FANCF is on the minus strand). VCF-style: chr11-22625758-G-C. GRCh37 (hg19) VCF-style: chr11-22647304-G-C.
Other names: short protein forms S18*.
Identifiers: ClinVar variation 4713243 (VCV004713243.1).

ClinVar aggregate classification (germline): Pathogenic (1 of 4 stars; one submission).

Conditions:
Fanconi anemia (FA). Also called: Fanconi's anemia. Identifiers: Orphanet 84, MedGen C0015625, MeSH D005199, MONDO:0019391.

Submission:

Labcorp Genetics (formerly Invitae), Labcorp
Classification: Pathogenic for Fanconi anemia. Last evaluated: 2025-05-12. Review status: criteria provided, single submitter. Criteria: Invitae Variant Classification Sherloc (09022015). Collection method: clinical testing. Allele origin: germline.
Comment: This sequence change creates a premature translational stop signal (p.Ser18*) in the FANCF gene. While this is not anticipated to result in nonsense mediated decay, it is expected to disrupt the last 357 amino acid(s) of the FANCF protein. This variant is not present in population databases (gnomAD no frequency). This variant has not been reported in the literature in individuals affected with FANCF-related conditions. This variant disrupts a region of the FANCF protein in which other variant(s) (p.Leu162Aspfs*103) have been determined to be pathogenic (PMID: 26033879, 27714961, 28102861). This suggests that this is a clinically significant region of the protein, and that variants that disrupt it are likely to be disease-causing. For these reasons, this variant has been classified as Pathogenic.

Literature cited by the submitters: PubMed 26033879; PubMed 27714961; PubMed 28102861.